The following is an entry in ClinVar:

ClinVar aggregate classification (germline): Pathogenic (1 of 4 stars; one submission).

gnomAD v4.1: 3 of 1,613,600 alleles (0.00019%); highest among the groups gnomAD compares: Non-Finnish European, 0.000085%; no homozygotes.

Submission:

Labcorp Genetics (formerly Invitae), Labcorp
Classification: Pathogenic. Last evaluated: 2025-05-30. Review status: criteria provided, single submitter. Criteria: Invitae Variant Classification Sherloc (09022015). Collection method: clinical testing. Allele origin: germline.
Comment: This sequence change creates a premature translational stop signal (p.Arg1733*) in the SPTBN2 gene. It is expected to result in an absent or disrupted protein product. Loss-of-function variants in SPTBN2 are known to be pathogenic (PMID: 28636205). This variant is not present in population databases (gnomAD no frequency). This variant has not been reported in the literature in individuals affected with SPTBN2-related conditions. For these reasons, this variant has been classified as Pathogenic.

Literature cited by the submitters: PubMed 28636205.

NM_006946.4(SPTBN2):c.5197C>T (p.Arg1733Ter)

Gene: SPTBN2 (spectrin beta, non-erythrocytic 2; minus strand). Cytogenetic location: 11q13.2.
Variant type: single nucleotide variant.
Coding change: c.5197C>T on transcript NM_006946.4 (MANE Select); coding-DNA position 5197, C replaced by T.
Protein change: p.Arg1733Ter; replaces arginine 1733 with a stop codon.
Molecular consequence: nonsense.
Genome position (GRCh38, 1-based): chr11:66,691,652, G>A on the plus strand (C>T on the coding strand, the complement: SPTBN2 is on the minus strand). VCF-style: chr11-66691652-G-A. GRCh37 (hg19) VCF-style: chr11-66459123-G-A.
Other names: c.5218C>T, p.Arg1740Ter (NM_001411025.1); c.5197C>T, p.Arg1733Ter (NM_001437541.1); short protein forms R1733*, R1740*.
Identifiers: ClinVar variation 4811994 (VCV004811994.1).
Genomic context (GRCh38, chr11:66,691,652, plus strand): 5'-TATCTACGCGCTCCTGACCGATGGTGCTTGTGTCCCGGGAGAACTCTCGGAATTTGTCTC[G>A]GAGCATCTGGTAGAGGAAGCAGATGGACAGACCATGCCGTGATGTTAGGGGATGTGGTCC-3'